The following is an entry in ClinVar:

NM_015726.4(DCAF8):c.789A>G (p.Arg263=)

Gene: DCAF8 (DDB1 and CUL4 associated factor 8; minus strand). Cytogenetic location: 1q23.2.
Variant type: single nucleotide variant.
Coding change: c.789A>G on transcript NM_015726.4 (MANE Select); coding-DNA position 789, A replaced by G.
Protein change: p.Arg263=; no amino-acid change (arginine 263 retained).
Molecular consequence: synonymous variant. On other transcripts: non-coding transcript variant (2).
Genome position (GRCh38, 1-based): chr1:160,238,682, T>C on the plus strand (A>G on the coding strand, the complement: DCAF8 is on the minus strand). VCF-style: chr1-160238682-T-C. GRCh37 (hg19) VCF-style: chr1-160208472-T-C.
Identifiers: ClinVar variation 788288 (VCV000788288.7), dbSNP rs16831675, ClinGen allele CA1196864.

ClinVar aggregate classification (germline): Benign. Review status: criteria provided, multiple submitters, no conflicts (2 of 4 stars). 3 submissions from 3 submitters: Benign (2). 1 of the submissions does not count toward it. Last evaluated 2019-12-31.

Conditions:
DCAF8-related disorder. Also called: DCAF8-related condition.

Allele frequency attached by ClinVar (database versions not stated): gnomAD exomes 0.00310 and 0.00835; ExAC 0.00897; gnomAD 0.01602 and 0.01643; ESP Exome Variant Server 0.01630; TOPMed 0.01970; 1000 Genomes Project 0.02256; 1000 Genomes Project 30x 0.02374.
gnomAD v4.1: 7,048 of 1,613,772 alleles (0.44%); highest among the groups gnomAD compares: African/African-American, 4.8%; 142 homozygotes.

Submissions (3):

Labcorp Genetics (formerly Invitae), Labcorp
Classification: Benign. Last evaluated: 2019-12-31. Review status: criteria provided, single submitter. Criteria: Invitae Variant Classification Sherloc (09022015). Collection method: clinical testing. Allele origin: germline.

Breakthrough Genomics
Classification: Benign. Review status: criteria provided, single submitter. Criteria: ACMG Guidelines, 2015. Collection method: not provided. Allele origin: germline. Inheritance: Autosomal dominant inheritance. Affected: yes.

PreventionGenetics, part of Exact Sciences
Classification: Benign for DCAF8-related condition. Last evaluated: 2019-03-12. Review status: no assertion criteria provided. Collection method: clinical testing. Allele origin: germline. Not counted in ClinVar's aggregate classification.
Comment: This variant is classified as benign based on ACMG/AMP sequence variant interpretation guidelines (Richards et al. 2015 PMID: 25741868, with internal and published modifications).